The following is an entry in ClinVar:

ClinVar aggregate classification (germline): Likely benign. Review status: criteria provided, single submitter (1 of 4 stars). 2 submissions from 2 submitters: Likely benign (1). 1 of the submissions does not count toward it. Last evaluated 2024-09-12.

Conditions:
SETD1B-related disorder. Also called: SETD1B-related condition.

gnomAD v4.1: 550 of 1,549,596 alleles (0.035%); highest among the groups gnomAD compares: Non-Finnish European, 0.045%; no homozygotes.

Submissions (2):

Blueprint Genetics
Classification: Likely benign. Last evaluated: 2024-09-12. Review status: criteria provided, single submitter. Criteria: ACMG Guidelines, 2015. Collection method: clinical testing. Allele origin: germline.

PreventionGenetics, part of Exact Sciences
Classification: Likely benign for SETD1B-related condition. Last evaluated: 2024-03-14. Review status: no assertion criteria provided. Collection method: clinical testing. Allele origin: germline. Not counted in ClinVar's aggregate classification.
Comment: This variant is classified as likely benign based on ACMG/AMP sequence variant interpretation guidelines (Richards et al. 2015 PMID: 25741868, with internal and published modifications).

NM_001353345.2(SETD1B):c.4659G>A (p.Pro1553=)

Gene: SETD1B (SET domain containing 1B, histone lysine methyltransferase; plus strand). Cytogenetic location: 12q24.31.
Variant type: single nucleotide variant.
Coding change: c.4659G>A on transcript NM_001353345.2 (MANE Select); coding-DNA position 4659, G replaced by A.
Protein change: p.Pro1553=; no amino-acid change (proline 1553 retained).
Molecular consequence: synonymous variant.
Genome position (GRCh38, 1-based): chr12:121,823,238, G>A. VCF-style: chr12-121823238-G-A. GRCh37 (hg19) VCF-style: chr12-122261144-G-A.
Other names: NM_015048.1:c.4530G>A.
Identifiers: ClinVar variation 3352497 (VCV003352497.2).